The following is an entry in ClinVar:

ClinVar aggregate classification (germline): Pathogenic (1 of 4 stars; one submission).

Conditions:
Familial thoracic aortic aneurysm and aortic dissection (TAAD). Also called: Thoracic aortic aneurysms and dissections. Identifiers: Orphanet 91387, MedGen C4707243, MONDO:0019625.
Marfan syndrome (MFS). Also called: MARFAN SYNDROME, TYPE I; Marfan syndrome type 1; Marfan's syndrome; Marfan syndrome, classic; FBN1-Related Marfan Syndrome. Identifiers: Orphanet 284963, Orphanet 558, MedGen C0024796, MONDO:0007947, OMIM 154700.

Submission:

Labcorp Genetics (formerly Invitae), Labcorp
Classification: Pathogenic for Marfan syndrome; Familial thoracic aortic aneurysm and aortic dissection. Last evaluated: 2022-01-31. Review status: criteria provided, single submitter. Criteria: Invitae Variant Classification Sherloc (09022015). Collection method: clinical testing. Allele origin: germline.
Comment: For these reasons, this variant has been classified as Pathogenic. This sequence change creates a premature translational stop signal (p.Ser1215*) in the FBN1 gene. It is expected to result in an absent or disrupted protein product. Loss-of-function variants in FBN1 are known to be pathogenic (PMID: 17657824, 19293843). This variant is not present in population databases (gnomAD no frequency). This variant has not been reported in the literature in individuals affected with FBN1-related conditions.

Literature cited by the submitters: PubMed 17657824; PubMed 19293843.

NM_000138.5(FBN1):c.3644_3645del (p.Asn1214_Ser1215insTer)

Gene: FBN1 (fibrillin 1; minus strand). Cytogenetic location: 15q21.1.
Variant type: Microsatellite.
Coding change: c.3644_3645del on transcript NM_000138.5 (MANE Select); coding-DNA positions 3644 to 3645, 2 bases deleted (CT; older notation c.3644_3645delCT).
Protein change: p.Asn1214_Ser1215insTer.
Molecular consequence: nonsense. On other transcripts: frameshift variant (1).
Genome position (GRCh38, 1-based): chr15:48,485,441-48,485,442, AG deleted on the plus strand (CT on the coding strand, the reverse complement: FBN1 is on the minus strand); deleting any 2 consecutive bases within chr15:48,485,441-48,485,444 gives the same sequence; the c. name uses the placement nearest the transcript's 3' end. VCF-style (leftmost placement, unchanged base first): chr15-48485440-CAG-C. GRCh37 (hg19) VCF-style: chr15-48777637-CAG-C.
Other names: c.3642_3643CT[1], p.Ser1215Terfs (NM_001406716.1).
Identifiers: ClinVar variation 2091179 (VCV002091179.4), dbSNP rs2505544979, ClinGen allele CA2580612803.